The following is an entry in ClinVar:

ClinVar aggregate classification (germline): Pathogenic. Review status: criteria provided, single submitter (1 of 4 stars). 2 submissions from 2 submitters: Pathogenic (1). 1 of the submissions does not count toward it. Last evaluated 2019-09-09.

Conditions:
Developmental and epileptic encephalopathy, 23 (DEE23). Also called: Epileptic encephalopathy, early infantile, 23. Identifiers: Orphanet 411986, MedGen C4014492, MONDO:0014371, OMIM 615859.

Allele frequency attached by ClinVar (database versions not stated): gnomAD 0.00001.
gnomAD v4.1: 1 of 1,614,050 alleles (0.000062%); highest among the groups gnomAD compares: African/African-American, 0.0013%; no homozygotes.

Submissions (2):

Labcorp Genetics (formerly Invitae), Labcorp
Classification: Pathogenic for Developmental and epileptic encephalopathy, 23. Last evaluated: 2019-09-09. Review status: criteria provided, single submitter. Criteria: Invitae Variant Classification Sherloc (09022015). Collection method: clinical testing. Allele origin: germline.
Comment: This sequence change creates a premature translational stop signal (p.Glu2078*) in the DOCK7 gene. It is expected to result in an absent or disrupted protein product. This variant is not present in population databases (ExAC no frequency). This variant has been observed in an individual affected with early onset epileptic encephalopathy (PMID: 24814191). ClinVar contains an entry for this variant (Variation ID: 139539). Loss-of-function variants in DOCK7 are known to be pathogenic (PMID: 24814191). For these reasons, this variant has been classified as Pathogenic.

OMIM
Classification: Pathogenic for DEVELOPMENTAL AND EPILEPTIC ENCEPHALOPATHY 23. Last evaluated: 2014-06-05. Review status: no assertion criteria provided. Collection method: literature only. Allele origin: germline. Not counted in ClinVar's aggregate classification.

Literature cited by the submitters: PubMed 24814191 (cited by Labcorp Genetics (formerly Invitae), Labcorp and OMIM).

NM_001367561.1(DOCK7):c.6265G>T (p.Glu2089Ter)

Gene: DOCK7 (dedicator of cytokinesis 7; minus strand). Cytogenetic location: 1p31.3.
Variant type: single nucleotide variant.
Coding change: c.6265G>T on transcript NM_001367561.1 (MANE Select); coding-DNA position 6265, G replaced by T.
Protein change: p.Glu2089Ter; replaces glutamic acid 2089 with a stop codon.
Molecular consequence: nonsense.
Genome position (GRCh38, 1-based): chr1:62,457,653, C>A on the plus strand (G>T on the coding strand, the complement: DOCK7 is on the minus strand). VCF-style: chr1-62457653-C-A. GRCh37 (hg19) VCF-style: chr1-62923324-C-A.
Other names: c.6232G>T, p.Glu2078Ter (NM_001271999.2); c.6145G>T, p.Glu2049Ter (NM_001272000.2); c.6139G>T, p.Glu2047Ter (NM_001272001.2); c.6238G>T, p.Glu2080Ter (NM_001330614.2); c.6172G>T, p.Glu2058Ter (NM_033407.4); short protein forms E2078*, E2058*, E2047*, E2089*, E2049*, E2080*.
Identifiers: ClinVar variation 139539 (VCV000139539.12), dbSNP rs587777485, ClinGen allele CA163245.
Genomic context (GRCh38, chr1:62,457,653, plus strand): 5'-TCAGTGGCTGTAGGGCCTCTTTAAGGCGATGATAGTTTCTCTCCAGTTCCCTTTGATACT[C>A]CTTTTGATCCGGCCCAATTAAGCTCTTATTTTTTCTTAAGGCATCTTCACACCTAGGAAA-3'